The following is an entry in ClinVar:

ClinVar aggregate classification (germline): Uncertain significance (1 of 4 stars; one submission).

Conditions:
Distal hereditary motor neuropathy type 2. Identifiers: Orphanet 139525, MedGen C3711384, MeSH C580044, MONDO:0015352.

Submission:

Labcorp Genetics (formerly Invitae), Labcorp
Classification: Uncertain significance for Distal hereditary motor neuropathy type 2. Last evaluated: 2022-04-12. Review status: criteria provided, single submitter. Criteria: Invitae Variant Classification Sherloc (09022015). Collection method: clinical testing. Allele origin: germline.
Comment: In summary, the available evidence is currently insufficient to determine the role of this variant in disease. Therefore, it has been classified as a Variant of Uncertain Significance. Algorithms developed to predict the effect of missense changes on protein structure and function are either unavailable or do not agree on the potential impact of this missense change (SIFT: "Deleterious"; PolyPhen-2: "Probably Damaging"; Align-GVGD: "Class C0"). This variant has not been reported in the literature in individuals affected with FBXO38-related conditions. This variant is not present in population databases (gnomAD no frequency). This sequence change replaces arginine, which is basic and polar, with tryptophan, which is neutral and slightly polar, at codon 526 of the FBXO38 protein (p.Arg526Trp).

NM_205836.3(FBXO38):c.1576C>T (p.Arg526Trp)

Gene: FBXO38 (F-box protein 38; plus strand). Cytogenetic location: 5q32.
Variant type: single nucleotide variant.
Coding change: c.1576C>T on transcript NM_205836.3 (MANE Select); coding-DNA position 1576, C replaced by T.
Protein change: p.Arg526Trp; replaces arginine 526 with tryptophan.
Molecular consequence: missense variant.
Genome position (GRCh38, 1-based): chr5:148,417,162, C>T. VCF-style: chr5-148417162-C-T. GRCh37 (hg19) VCF-style: chr5-147796725-C-T.
Other names: c.1576C>T, p.Arg526Trp (NM_001271723.2, NM_030793.5); short protein forms R526W.
Identifiers: ClinVar variation 1917033 (VCV001917033.5), dbSNP rs2531768584, ClinGen allele CA361660158.